The following is an entry in ClinVar:

NM_001376.5(DYNC1H1):c.13867G>A (p.Asp4623Asn)

Gene: DYNC1H1 (dynein cytoplasmic 1 heavy chain 1; plus strand). Cytogenetic location: 14q32.31.
Variant type: single nucleotide variant.
Coding change: c.13867G>A on transcript NM_001376.5 (MANE Select); coding-DNA position 13867, G replaced by A.
Protein change: p.Asp4623Asn; replaces aspartic acid 4623 with asparagine.
Molecular consequence: missense variant.
Genome position (GRCh38, 1-based): chr14:102,050,489, G>A. VCF-style: chr14-102050489-G-A. GRCh37 (hg19) VCF-style: chr14-102516826-G-A.
Other names: short protein forms D4623N.
Identifiers: ClinVar variation 539768 (VCV000539768.12), dbSNP rs750353606, ClinGen allele CA7354385.

ClinVar aggregate classification (germline): Conflicting classifications of pathogenicity. Review status: criteria provided, conflicting classifications (1 of 4 stars). 2 submissions from 2 submitters: Uncertain significance (1); Likely benign (1). Last evaluated 2023-10-14.

Conditions:
Charcot-Marie-Tooth disease axonal type 2O. Also called: CHARCOT-MARIE-TOOTH NEUROPATHY, AXONAL, TYPE 2O; CHARCOT-MARIE-TOOTH DISEASE, AXONAL, AUTOSOMAL DOMINANT, TYPE 2O; Charcot-Marie-Tooth Neuropathy Type 2O; Charcot-Marie-Tooth disease, axonal, type 20. Identifiers: Orphanet 284232, MedGen C3280220, MONDO:0013644, OMIM 614228.

Allele frequency attached by ClinVar (database versions not stated): gnomAD 0.00004 and 0.00003; TOPMed 0.00004; ExAC 0.00001; gnomAD exomes below 0.00001.
gnomAD v4.1: 5 of 1,614,110 alleles (0.00031%); highest among the groups gnomAD compares: African/African-American, 0.0067%; no homozygotes.

Submissions (2):

Labcorp Genetics (formerly Invitae), Labcorp
Classification: Likely benign for Charcot-Marie-Tooth disease axonal type 2O. Last evaluated: 2023-10-14. Review status: criteria provided, single submitter. Criteria: Invitae Variant Classification Sherloc (09022015). Collection method: clinical testing. Allele origin: germline.

GeneDx
Classification: Uncertain significance. Last evaluated: 2022-06-13. Review status: criteria provided, single submitter. Criteria: GeneDx Variant Classification Process June 2021. Collection method: clinical testing. Allele origin: germline. Affected: yes.
Comment: In silico analysis supports that this missense variant has a deleterious effect on protein structure/function; Has not been previously published as pathogenic or benign to our knowledge; This variant is associated with the following publications: (PMID: 26100331, 25609763, 25512093)